The following is an entry in ClinVar:

NM_001005242.3(PKP2):c.983G>T (p.Gly328Val)

Gene: PKP2 (plakophilin 2; minus strand). Cytogenetic location: 12p11.21.
Variant type: single nucleotide variant.
Coding change: c.983G>T on transcript NM_001005242.3 (MANE Select); coding-DNA position 983, G replaced by T.
Protein change: p.Gly328Val; replaces glycine 328 with valine.
Molecular consequence: missense variant.
Genome position (GRCh38, 1-based): chr12:32,877,897, C>A on the plus strand (G>T on the coding strand, the complement: PKP2 is on the minus strand). VCF-style: chr12-32877897-C-A. GRCh37 (hg19) VCF-style: chr12-33030831-C-A.
Other names: c.983G>T, p.Gly328Val (NM_004572.4); short protein forms G328V.
Identifiers: ClinVar variation 638985 (VCV000638985.8), dbSNP rs144651139, ClinGen allele CA384361809.

ClinVar aggregate classification (germline): Uncertain significance (1 of 4 stars; one submission).

Conditions:
Arrhythmogenic right ventricular dysplasia 9 (ARVD9). Also called: Arrhythmogenic Right Ventricular Dysplasia/Cardiomyopathy 9; ARRHYTHMOGENIC RIGHT VENTRICULAR DYSPLASIA, FAMILIAL, 9. Identifiers: MedGen C1836906, MONDO:0012180, OMIM 609040.

gnomAD v4.1: 1 of 1,614,126 alleles (0.000062%); highest among the groups gnomAD compares: Non-Finnish European, 0.000085%; no homozygotes.

Submission:

Labcorp Genetics (formerly Invitae), Labcorp
Classification: Uncertain significance for Arrhythmogenic right ventricular dysplasia 9. Last evaluated: 2025-11-18. Review status: criteria provided, single submitter. Criteria: Invitae Variant Classification Sherloc (09022015). Collection method: clinical testing. Allele origin: germline.
Comment: This sequence change replaces glycine, which is neutral and non-polar, with valine, which is neutral and non-polar, at codon 328 of the PKP2 protein (p.Gly328Val). This variant is not present in population databases (gnomAD no frequency). This variant has not been reported in the literature in individuals affected with PKP2-related conditions. ClinVar contains an entry for this variant (Variation ID: 638985). An algorithm developed to predict the effect of missense changes on protein structure and function outputs the following: PolyPhen-2: "Benign". The valine amino acid residue is found in multiple mammalian species, which suggests that this missense change does not adversely affect protein function. Algorithms developed to predict the effect of sequence changes on RNA splicing suggest that this variant may disrupt the consensus splice site. In summary, the available evidence is currently insufficient to determine the role of this variant in disease. Therefore, it has been classified as a Variant of Uncertain Significance.